The following is an entry in ClinVar:

NM_001005273.3(CHD3):c.75_76delinsGTGACAGGA (p.Leu26Ter)

Gene: CHD3 (chromodomain helicase DNA binding protein 3; plus strand). Cytogenetic location: 17p13.1.
Variant type: Indel.
Coding change: c.75_76delinsGTGACAGGA on transcript NM_001005273.3 (MANE Select); coding-DNA positions 75 to 76, AC replaced by GTGACAGGA.
Protein change: p.Leu26Ter; replaces leucine 26 with a stop codon.
Molecular consequence: nonsense. On other transcripts: intron variant (1).
Genome position (GRCh38, 1-based): chr17:7,889,075-7,889,076, AC replaced by GTGACAGGA. VCF-style: chr17-7889075-AC-GTGACAGGA. GRCh37 (hg19) VCF-style: chr17-7792393-AC-GTGACAGGA.
Other names: c.75_76delinsGTGACAGGA, p.Leu26Ter (NM_005852.4); c.278-589_278-588delinsGTGACAGGA (NM_001005271.3); short protein forms L26*.
Identifiers: ClinVar variation 2628956 (VCV002628956.2), dbSNP rs2544691720, ClinGen allele CA2695201245.

ClinVar aggregate classification (germline): Uncertain significance (0 of 4 stars; one submission).

Conditions:
CHD3-related disorder. Also called: CHD3-related condition.

Submission:

PreventionGenetics, part of Exact Sciences
Classification: Uncertain significance for CHD3-related condition. Last evaluated: 2024-04-08. Review status: no assertion criteria provided. Collection method: clinical testing. Allele origin: germline.
Comment: The CHD3 c.75_76delinsGTGACAGGA variant is predicted to result in premature protein termination (p.Leu26*). To our knowledge, this variant has not been reported in the literature or in a large population database, indicating this variant is rare. Nonsense variants in CHD3 can be pathogenic; however, this variant's location in an alternate transcript combined with the presence of several other early termination changes nearby in the gnomAD database, call the clinical significance of this variant into question. At this time, the clinical significance of this variant is uncertain due to insufficient functional and genetic evidence.